The following is an entry in ClinVar:

ClinVar aggregate classification (germline): Uncertain significance (1 of 4 stars; one submission).

Conditions:
Landau-Kleffner syndrome (FESD). Also called: APHASIA, ACQUIRED, WITH EPILEPSY; EPILEPSY, FOCAL, WITH SPEECH DISORDER AND WITH OR WITHOUT MENTAL RETARDATION. Identifiers: Orphanet 1945, Orphanet 725, Orphanet 98818, MedGen C0282512, MONDO:0009509, OMIM 245570.

Submission:

Labcorp Genetics (formerly Invitae), Labcorp
Classification: Uncertain significance for Landau-Kleffner syndrome. Last evaluated: 2023-08-10. Review status: criteria provided, single submitter. Criteria: Invitae Variant Classification Sherloc (09022015). Collection method: clinical testing. Allele origin: germline.
Comment: This variant results in a copy number gain of the genomic region encompassing exon(s) 4-5 of the GRIN2A gene. While the exact position of this variant cannot be determined from the data, sub-genic copy number gains are generally in tandem (PMID: 25640679). This variant is predicted to be in-frame, and likely preserves the integrity of the reading frame. This variant has not been reported in the literature in individuals affected with GRIN2A-related conditions. Experimental studies and prediction algorithms are not available or were not evaluated, and the functional significance of this variant is currently unknown. In summary, the available evidence is currently insufficient to determine the role of this variant in disease. Therefore, it has been classified as a Variant of Uncertain Significance.

Literature cited by the submitters: PubMed 25640679.

NC_000016.10:g.(?_9890966)_(9938571_?)dup

Gene: GRIN2A (glutamate ionotropic receptor NMDA type subunit 2A; minus strand). Cytogenetic location: 16p13.2.
Variant type: Duplication.
Identifiers: ClinVar variation 832000 (VCV000832000.3).